The following is an entry in ClinVar:

NM_001453.3(FOXC1):c.440G>T (p.Gly147Val)

Gene: FOXC1 (forkhead box C1; plus strand). Cytogenetic location: 6p25.3.
Variant type: single nucleotide variant.
Coding change: c.440G>T on transcript NM_001453.3 (MANE Select); coding-DNA position 440, G replaced by T.
Protein change: p.Gly147Val; replaces glycine 147 with valine.
Molecular consequence: missense variant.
Genome position (GRCh38, 1-based): chr6:1,610,885, G>T. VCF-style: chr6-1610885-G-T. GRCh37 (hg19) VCF-style: chr6-1611120-G-T.
Other names: short protein forms G147V.
Identifiers: ClinVar variation 2824091 (VCV002824091.3), dbSNP rs2480502653, ClinGen allele CA362558825.

ClinVar aggregate classification (germline): Uncertain significance (1 of 4 stars; one submission).

Conditions:
Axenfeld-Rieger syndrome type 3 (RIEG3). Also called: AXENFELD-RIEGER ANOMALY WITH CARDIAC DEFECTS AND/OR SENSORINEURAL HEARING LOSS. Identifiers: Orphanet 782, MedGen C2678503, MONDO:0011233, OMIM 602482.

Submission:

Labcorp Genetics (formerly Invitae), Labcorp
Classification: Uncertain significance for Axenfeld-Rieger syndrome type 3. Last evaluated: 2024-05-07. Review status: criteria provided, single submitter. Criteria: Invitae Variant Classification Sherloc (09022015). Collection method: clinical testing. Allele origin: germline.
Comment: This sequence change replaces glycine, which is neutral and non-polar, with valine, which is neutral and non-polar, at codon 147 of the FOXC1 protein (p.Gly147Val). This variant is not present in population databases (gnomAD no frequency). This variant has not been reported in the literature in individuals affected with FOXC1-related conditions. An algorithm developed to predict the effect of missense changes on protein structure and function (PolyPhen-2) suggests that this variant is likely to be disruptive. In summary, the available evidence is currently insufficient to determine the role of this variant in disease. Therefore, it has been classified as a Variant of Uncertain Significance.